The following is an entry in ClinVar:

ClinVar aggregate classification (germline): Uncertain significance (1 of 4 stars; one submission).

Submission:

Ambry Genetics
Classification: Uncertain significance. Last evaluated: 2025-10-12. Review status: criteria provided, single submitter. Criteria: Ambry Variant Classification Scheme 2023. Collection method: clinical testing. Allele origin: germline.
Comment: The p.S1411T variant (also known as c.4231T>A), located in coding exon 19 of the WNK2 gene, results from a T to A substitution at nucleotide position 4231. The serine at codon 1411 is replaced by threonine, an amino acid with similar properties. This amino acid position is conserved. In addition, this alteration is predicted to be tolerated by in silico analysis. Based on the available evidence, the clinical significance of this variant remains unclear.

NM_006648.4(WNK2):c.4231T>A (p.Ser1411Thr)

Gene: WNK2 (WNK lysine deficient protein kinase 2; plus strand). Cytogenetic location: 9q22.31.
Variant type: single nucleotide variant.
Coding change: c.4231T>A on transcript NM_006648.4 (MANE Select); coding-DNA position 4231, T replaced by A.
Protein change: p.Ser1411Thr; replaces serine 1411 with threonine.
Molecular consequence: missense variant.
Genome position (GRCh38, 1-based): chr9:93,288,985, T>A. VCF-style: chr9-93288985-T-A. GRCh37 (hg19) VCF-style: chr9-96051267-T-A.
Other names: c.4342T>A, p.Ser1448Thr (NM_001282394.3); short protein forms S1448T, S1411T.
Identifiers: ClinVar variation 4605246 (VCV004605246.1).
Genomic context (GRCh38, chr9:93,288,985, plus strand): 5'-GTGACTGCTCTGCCCCAAGATGGAGCAGCTCCAGCCACCAGCACCATGCCAGAGCCAGCG[T>A]CAGGAACTGCCAGCCAGGCAGGGGGTCCAGGGACACCTCAGGGGCTGACCAGTGAGCTCG-3'
Protein context (NP_006639.3, residues 1401-1421): PATSTMPEPA[Ser1411Thr]GTASQAGGPG